The following is an entry in ClinVar:

NM_003240.5(LEFTY2):c.214C>T (p.Arg72Cys)

Gene: LEFTY2 (left-right determination factor 2; minus strand). Cytogenetic location: 1q42.12.
Variant type: single nucleotide variant.
Coding change: c.214C>T on transcript NM_003240.5 (MANE Select); coding-DNA position 214, C replaced by T.
Protein change: p.Arg72Cys; replaces arginine 72 with cysteine.
Molecular consequence: missense variant.
Genome position (GRCh38, 1-based): chr1:225,940,927, G>A on the plus strand (C>T on the coding strand, the complement: LEFTY2 is on the minus strand). VCF-style: chr1-225940927-G-A. GRCh37 (hg19) VCF-style: chr1-226128627-G-A.
Other names: c.214C>T, p.Arg72Cys (NM_001172425.3); short protein forms R72C.
Identifiers: ClinVar variation 295975 (VCV000295975.20), dbSNP rs141680926, ClinGen allele CA1420667.

ClinVar aggregate classification (germline): Benign/Likely benign. Review status: criteria provided, multiple submitters, no conflicts (2 of 4 stars). 6 submissions from 6 submitters: Benign (1); Likely benign (5). Last evaluated 2026-01-15.

Conditions:
Left-right axis malformations. Identifiers: MedGen C1866091.

Allele frequency attached by ClinVar (database versions not stated): 1000 Genomes Project 0.00060; 1000 Genomes Project 30x 0.00062; ESP Exome Variant Server 0.00077; gnomAD 0.00095 and 0.00096; TOPMed 0.00116; gnomAD exomes 0.00117; ExAC 0.00118.
gnomAD v4.1: 1,273 of 1,613,630 alleles (0.079%); highest among the groups gnomAD compares: Middle Eastern, 0.73%; 3 homozygotes.

Submissions (6):

Labcorp Genetics (formerly Invitae), Labcorp
Classification: Likely benign for Left-right axis malformations. Last evaluated: 2026-01-15. Review status: criteria provided, single submitter. Criteria: Invitae Variant Classification Sherloc (09022015). Collection method: clinical testing. Allele origin: germline.

Genomic Medicine Center of Excellence, King Faisal Specialist Hospital and Research Centre
Classification: Likely benign. Last evaluated: 2025-08-18. Review status: criteria provided, single submitter. Criteria: ACMG Guidelines, 2015. Collection method: clinical testing. Allele origin: germline.

Blueprint Genetics
Classification: Likely benign. Last evaluated: 2024-11-04. Review status: criteria provided, single submitter. Criteria: ACMG Guidelines, 2015. Collection method: clinical testing. Allele origin: germline.

GeneDx
Classification: Likely benign. Last evaluated: 2019-04-04. Review status: criteria provided, single submitter. Criteria: GeneDx Variant Classification Process June 2021. Collection method: clinical testing. Allele origin: germline. Affected: yes.

Illumina Laboratory Services, Illumina
Classification: Benign for Left-right axis malformations. Last evaluated: 2018-01-12. Review status: criteria provided, single submitter. Criteria: ICSL Variant Classification Criteria 13 December 2019. Collection method: clinical testing. Allele origin: germline.
Comment: This variant was observed in the ICSL laboratory as part of a predisposition screen in an ostensibly healthy population. It had not been previously curated by ICSL or reported in the Human Gene Mutation Database (HGMD: prior to June 1st, 2018), and was therefore a candidate for classification through an automated scoring system. Utilizing variant allele frequency, disease prevalence and penetrance estimates, and inheritance mode, an automated score was calculated to assess if this variant is too frequent to cause the disease. Based on the score and internal cut-off values, a variant classified as benign is not then subjected to further curation. The score for this variant resulted in a classification of benign for this disease.

Breakthrough Genomics
Classification: Likely benign. Review status: criteria provided, single submitter. Criteria: ACMG Guidelines, 2015. Collection method: not provided. Allele origin: germline. Inheritance: Unknown mechanism. Affected: yes.